The following is an entry in ClinVar:

ClinVar aggregate classification (germline): Pathogenic/Likely pathogenic. Review status: criteria provided, multiple submitters, no conflicts (2 of 4 stars). 3 submissions from 3 submitters: Pathogenic (1); Likely pathogenic (2). Last evaluated 2024-09-21.

Conditions:
Hereditary cancer-predisposing syndrome. Also called: Neoplastic Syndromes, Hereditary; Hereditary neoplastic syndrome; Tumor predisposition; Hereditary Cancer Syndrome. Identifiers: Orphanet 140162, MedGen C0027672, MeSH D009386, MONDO:0015356.
Familial cancer of breast. Also called: hereditary breast carcinoma; BREAST CANCER, FAMILIAL; Hereditary breast cancer. Identifiers: Orphanet 227535, MedGen C0346153, MONDO:0016419, OMIM 114480. Disease mechanism: loss of function.

Submissions (3):

Labcorp Genetics (formerly Invitae), Labcorp
Classification: Likely pathogenic for Familial cancer of breast. Last evaluated: 2024-09-21. Review status: criteria provided, single submitter. Criteria: Invitae Variant Classification Sherloc (09022015). Collection method: clinical testing. Allele origin: germline.
Comment: This sequence change affects an acceptor splice site in intron 9 of the BARD1 gene. It is expected to disrupt RNA splicing. Variants that disrupt the donor or acceptor splice site typically lead to a loss of protein function (PMID: 16199547), and loss-of-function variants in BARD1 are known to be pathogenic (PMID: 20077502, 21344236). This variant is not present in population databases (gnomAD no frequency). This variant has not been reported in the literature in individuals affected with BARD1-related conditions. Algorithms developed to predict the effect of sequence changes on RNA splicing suggest that this variant may disrupt the consensus splice site. In summary, the currently available evidence indicates that the variant is pathogenic, but additional data are needed to prove that conclusively. Therefore, this variant has been classified as Likely Pathogenic.

Ambry Genetics
Classification: Likely pathogenic for Hereditary cancer-predisposing syndrome. Last evaluated: 2024-03-01. Review status: criteria provided, single submitter. Criteria: Ambry Variant Classification Scheme 2023. Collection method: clinical testing. Allele origin: germline.
Comment: The c.1904-1G>A intronic variant results from a G to A substitution one nucleotide upstream from coding exon 10 of the BARD1 gene. This variant is considered to be rare based on population cohorts in the Genome Aggregation Database (gnomAD). This nucleotide position is highly conserved in available vertebrate species. In silico splice site analysis predicts that this alteration will weaken the native splice acceptor site and will result in the creation or strengthening of a novel splice acceptor site. Alterations that disrupt the canonical splice site are expected to cause aberrant splicing, resulting in an abnormal protein or a transcript that is subject to nonsense-mediated mRNA decay. As such, this alteration is classified as likely pathogenic.

Quest Diagnostics Nichols Institute San Juan Capistrano
Classification: Pathogenic. Last evaluated: 2023-05-04. Review status: criteria provided, single submitter. Criteria: Quest Diagnostics criteria. Collection method: clinical testing. Allele origin: unknown.
Comment: This variant disrupts a canonical splice-acceptor site and interferes with normal BARD1 mRNA splicing. The variant has not been reported in individuals with BARD1-related diseases in the published literature. It also has not been reported in large, multi-ethnic general populations. Based on the available information, this variant is classified as pathogenic.

Literature cited by the submitters: PubMed 16199547 (cited by Labcorp Genetics (formerly Invitae), Labcorp); PubMed 20077502 (cited by Labcorp Genetics (formerly Invitae), Labcorp); PubMed 21344236 (cited by Labcorp Genetics (formerly Invitae), Labcorp).

NM_000465.4(BARD1):c.1904-1G>A

Gene: BARD1 (BRCA1 associated RING domain 1; minus strand). Cytogenetic location: 2q35.
Variant type: single nucleotide variant.
Coding change: c.1904-1G>A on transcript NM_000465.4 (MANE Select); the canonical splice acceptor site of the intron before coding-DNA position 1904, G replaced by A.
Molecular consequence: splice acceptor variant.
Genome position (GRCh38, 1-based): chr2:214,730,509, C>T on the plus strand (G>A on the coding strand, the complement: BARD1 is on the minus strand). VCF-style: chr2-214730509-C-T. GRCh37 (hg19) VCF-style: chr2-215595233-C-T.
Other names: c.365-1G>A (NM_001282549.2); c.494-1G>A (NM_001282548.2); c.1847-1G>A (NM_001282543.2); c.551-1G>A (NM_001282545.2); c.1904-1G>A (NM_000465.2).
Identifiers: ClinVar variation 2682139 (VCV002682139.5), dbSNP rs2469277929, ClinGen allele CA350451355.